The following is an entry in ClinVar:

NM_007294.4(BRCA1):c.584C>G (p.Thr195Ser)

Gene: BRCA1 (BRCA1 DNA repair associated; minus strand). Cytogenetic location: 17q21.31.
Variant type: single nucleotide variant.
Coding change: c.584C>G on transcript NM_007294.4 (MANE Select); coding-DNA position 584, C replaced by G.
Protein change: p.Thr195Ser; replaces threonine 195 with serine.
Molecular consequence: missense variant. On other transcripts: intron variant (115).
Genome position (GRCh38, 1-based): chr17:43,097,253, G>C on the plus strand (C>G on the coding strand, the complement: BRCA1 is on the minus strand). VCF-style: chr17-43097253-G-C. GRCh37 (hg19) VCF-style: chr17-41249270-G-C.
Other names: c.440C>G, p.Thr147Ser (NM_001407845.1, NM_001407846.1, NM_001407847.1 and 26 more transcripts); c.548-2393C>G (NM_001407680.1, NM_001407664.1, NM_001407675.1 and 34 more transcripts); c.506C>G, p.Thr169Ser (NM_001407653.1, NM_001407658.1, NM_001407663.1 and 9 more transcripts); c.584C>G, p.Thr195Ser (NM_001407642.1, NM_001407652.1, NM_001407684.1 and 59 more transcripts); c.581C>G, p.Thr194Ser (NM_001407645.1, NM_001407644.1, NM_001407860.1 and 41 more transcripts); c.575C>G, p.Thr192Ser (NM_001407647.1, NM_001407646.1, NM_001408408.1); c.503C>G, p.Thr168Ser (NM_001407661.1, NM_001407659.1, NM_001407660.1 and 3 more transcripts); c.443C>G, p.Thr148Ser (NM_001407692.1, NM_001407694.1, NM_001407850.1 and 43 more transcripts); and 17 more; short protein forms T147S, T150S, T194S, T168S, T195S, T67S, T124S, T169S.
Identifiers: ClinVar variation 2828564 (VCV002828564.3), dbSNP rs2154521151, ClinGen allele CA10600954.

ClinVar aggregate classification (germline): Uncertain significance (1 of 4 stars; one submission).

Conditions:
Hereditary breast ovarian cancer syndrome. Also called: Hereditary breast and ovarian cancer; BRCA1- and BRCA2-Associated Hereditary Breast and Ovarian Cancer; Hereditary breast and ovarian cancer syndrome; Hereditary breast and ovarian cancer syndrome (HBOC); Breast and ovarian cancer; Hereditary breast and/or ovarian cancer syndrome. Identifiers: Orphanet 145, MedGen C0677776, MeSH D061325, MONDO:0003582. Disease mechanism: loss of function.

Submission:

Labcorp Genetics (formerly Invitae), Labcorp
Classification: Uncertain significance for Hereditary breast ovarian cancer syndrome. Last evaluated: 2023-01-14. Review status: criteria provided, single submitter. Criteria: Invitae Variant Classification Sherloc (09022015). Collection method: clinical testing. Allele origin: germline.
Comment: This sequence change replaces threonine, which is neutral and polar, with serine, which is neutral and polar, at codon 195 of the BRCA1 protein (p.Thr195Ser). This variant is not present in population databases (gnomAD no frequency). This variant has not been reported in the literature in individuals affected with BRCA1-related conditions. Advanced modeling of protein sequence and biophysical properties (such as structural, functional, and spatial information, amino acid conservation, physicochemical variation, residue mobility, and thermodynamic stability) performed at Invitae indicates that this missense variant is not expected to disrupt BRCA1 protein function. In summary, the available evidence is currently insufficient to determine the role of this variant in disease. Therefore, it has been classified as a Variant of Uncertain Significance.